The following is an entry in ClinVar:

NM_000204.5(CFI):c.288A>G (p.Pro96=)

Gene: CFI (complement factor I; minus strand). Cytogenetic location: 4q25.
Variant type: single nucleotide variant.
Coding change: c.288A>G on transcript NM_000204.5 (MANE Select); coding-DNA position 288, A replaced by G.
Protein change: p.Pro96=; no amino-acid change (proline 96 retained).
Molecular consequence: synonymous variant. On other transcripts: non-coding transcript variant (3), intron variant (1).
Genome position (GRCh38, 1-based): chr4:109,766,594, T>C on the plus strand (A>G on the coding strand, the complement: CFI is on the minus strand). VCF-style: chr4-109766594-T-C. GRCh37 (hg19) VCF-style: chr4-110687750-T-C.
Other names: p.Pro96=; c.288A>G (NM_000204.4); c.288A>G, p.Pro96= (NM_001318057.2, NM_001331035.2, NM_001375278.1 and 5 more transcripts); c.-127-4902A>G (NM_001375284.1).
Identifiers: ClinVar variation 1552214 (VCV001552214.10), dbSNP rs369053205, ClinGen allele CA3042327.

ClinVar aggregate classification (germline): Likely benign. Review status: criteria provided, multiple submitters, no conflicts (2 of 4 stars). 3 submissions from 3 submitters: Likely benign (3). Last evaluated 2026-01-05.

Allele frequency attached by ClinVar (database versions not stated): gnomAD exomes 0.00004 and 0.00006; ExAC 0.00007; ESP Exome Variant Server 0.00008; 1000 Genomes Project 30x 0.00016; 1000 Genomes Project 0.00020; TOPMed 0.00024; gnomAD 0.00027 and 0.00028.
gnomAD v4.1: 100 of 1,614,234 alleles (0.0062%); highest among the groups gnomAD compares: African/African-American, 0.071%; no homozygotes.

Submissions (3):

Labcorp Genetics (formerly Invitae), Labcorp
Classification: Likely benign. Last evaluated: 2026-01-05. Review status: criteria provided, single submitter. Criteria: Invitae Variant Classification Sherloc (09022015). Collection method: clinical testing. Allele origin: germline.

Mayo Clinic Laboratories, Mayo Clinic
Classification: Likely benign. Last evaluated: 2024-07-09. Review status: criteria provided, single submitter. Criteria: ACMG Guidelines, 2015. Collection method: clinical testing. Allele origin: germline. Observed: 4 variant alleles.
Comment: BP4, BP7

Breakthrough Genomics
Classification: Likely benign. Review status: criteria provided, single submitter. Criteria: ACMG Guidelines, 2015. Collection method: not provided. Allele origin: germline. Inheritance: Autosomal recessive inheritance. Affected: yes.